The following is an entry in ClinVar:

ClinVar aggregate classification (germline): Conflicting classifications of pathogenicity. Review status: criteria provided, conflicting classifications (1 of 4 stars). 2 submissions from 2 submitters: Uncertain significance (1); Likely benign (1). Last evaluated 2026-07-07.

Conditions:
Hypercholesterolemia, autosomal dominant, type B (FHCL2). Also called: HYPERCHOLESTEROLEMIA, FAMILIAL, DUE TO LIGAND-DEFECTIVE APOLIPOPROTEIN B; Hyperlipoproteinemia Type IIb; Familial Hypercholesterolemia Type B; Familial hypercholesterolemia 2; APOLIPOPROTEIN B-100, FAMILIAL DEFECTIVE; APOLIPOPROTEIN B-100, FAMILIAL LIGAND-DEFECTIVE. Identifiers: MedGen C1704417, MONDO:0007751, OMIM 144010.
Familial hypobetalipoproteinemia 1. Also called: Hypobetalipoproteinemia, normotriglyceridemic; Acanthocytosis with hypobetalipoproteinemia; APOB-Related Familial Hypobetalipoproteinemia. Identifiers: MedGen C4551990, MONDO:0014252, OMIM 615558.
Cardiovascular phenotype. Identifiers: MedGen CN230736.

Allele frequency attached by ClinVar (database versions not stated): gnomAD exomes below 0.00001; ExAC 0.00001; gnomAD 0.00001; TOPMed 0.00001.

Submissions (2):

Ambry Genetics
Classification: Uncertain significance for Cardiovascular phenotype. Last evaluated: 2026-07-07. Review status: criteria provided, single submitter. Criteria: Ambry Variant Classification Scheme 2023. Collection method: clinical testing. Allele origin: germline.
Comment: The p.L2020R variant (also known as c.6059T>G), located in coding exon 26 of the APOB gene, results from a T to G substitution at nucleotide position 6059. The leucine at codon 2020 is replaced by arginine, an amino acid with dissimilar properties. This amino acid position is conserved. In addition, this alteration is predicted to be tolerated by in silico analysis. Based on the available evidence, the clinical significance of this variant remains unclear.

Labcorp Genetics (formerly Invitae), Labcorp
Classification: Likely benign for Familial hypobetalipoproteinemia 1; Hypercholesterolemia, autosomal dominant, type B. Last evaluated: 2022-10-20. Review status: criteria provided, single submitter. Criteria: Invitae Variant Classification Sherloc (09022015). Collection method: clinical testing. Allele origin: germline.

NM_000384.3(APOB):c.6059T>G (p.Leu2020Arg)

Gene: APOB (apolipoprotein B; minus strand). Cytogenetic location: 2p24.1.
Variant type: single nucleotide variant.
Coding change: c.6059T>G on transcript NM_000384.3 (MANE Select); coding-DNA position 6059, T replaced by G.
Protein change: p.Leu2020Arg; replaces leucine 2020 with arginine.
Molecular consequence: missense variant.
Genome position (GRCh38, 1-based): chr2:21,010,809, A>C on the plus strand (T>G on the coding strand, the complement: APOB is on the minus strand). VCF-style: chr2-21010809-A-C. GRCh37 (hg19) VCF-style: chr2-21233681-A-C.
Other names: short protein forms L2020R.
Identifiers: ClinVar variation 927954 (VCV000927954.9), dbSNP rs766897068, ClinGen allele CA062809.